The following is an entry in ClinVar:

ClinVar aggregate classification (germline): Uncertain significance. Review status: criteria provided, multiple submitters, no conflicts (2 of 4 stars). 2 submissions from 2 submitters: Uncertain significance (2). Last evaluated 2024-01-09.

Conditions:
Inborn genetic diseases. Identifiers: MedGen C0950123, MeSH D030342.
MHC class II deficiency. Also called: BLS, TYPE II; Bare lymphocyte syndrome 2. Identifiers: Orphanet 572, MedGen C5447452, MONDO:0008855.

Allele frequency attached by ClinVar (database versions not stated): gnomAD exomes 0.00002; ExAC 0.00003; gnomAD 0.00005 and 0.00006; TOPMed 0.00005; ESP Exome Variant Server 0.00015.
gnomAD v4.1: 23 of 1,613,364 alleles (0.0014%); highest among the groups gnomAD compares: African/African-American, 0.013%; no homozygotes.

Submissions (2):

Ambry Genetics
Classification: Uncertain significance for Inborn genetic diseases. Last evaluated: 2024-01-09. Review status: criteria provided, single submitter. Criteria: Ambry Variant Classification Scheme 2023. Collection method: clinical testing. Allele origin: germline.

Labcorp Genetics (formerly Invitae), Labcorp
Classification: Uncertain significance for MHC class II deficiency. Last evaluated: 2022-03-14. Review status: criteria provided, single submitter. Criteria: Invitae Variant Classification Sherloc (09022015). Collection method: clinical testing. Allele origin: germline.
Comment: This sequence change replaces arginine, which is basic and polar, with histidine, which is basic and polar, at codon 580 of the CIITA protein (p.Arg580His). This variant is present in population databases (rs140269818, gnomAD 0.008%). This variant has not been reported in the literature in individuals affected with CIITA-related conditions. Algorithms developed to predict the effect of missense changes on protein structure and function output the following: SIFT: "Tolerated"; PolyPhen-2: "Benign"; Align-GVGD: "Class C0". The histidine amino acid residue is found in multiple mammalian species, which suggests that this missense change does not adversely affect protein function. In summary, the available evidence is currently insufficient to determine the role of this variant in disease. Therefore, it has been classified as a Variant of Uncertain Significance.

NM_000246.4(CIITA):c.1739G>A (p.Arg580His)

Gene: CIITA (class II major histocompatibility complex transactivator; plus strand). Cytogenetic location: 16p13.13.
Variant type: single nucleotide variant.
Coding change: c.1739G>A on transcript NM_000246.4 (MANE Select); coding-DNA position 1739, G replaced by A.
Protein change: p.Arg580His; replaces arginine 580 with histidine.
Molecular consequence: missense variant. On other transcripts: intron variant (1).
Genome position (GRCh38, 1-based): chr16:10,907,231, G>A. VCF-style: chr16-10907231-G-A. GRCh37 (hg19) VCF-style: chr16-11001088-G-A.
Other names: c.1742G>A, p.Arg581His (NM_001286402.1, NM_001379332.1); c.1595G>A, p.Arg532His (NM_001379330.1); c.1592G>A, p.Arg531His (NM_001379331.1); c.1739G>A, p.Arg580His (NM_001379333.1); c.1670G>A, p.Arg557His (NM_001379334.1); c.860-1752G>A (NM_001286403.2); c.1739G>A (NM_000246.3); short protein forms R557H, R580H, R532H, R581H, R531H.
Identifiers: ClinVar variation 1392215 (VCV001392215.4), dbSNP rs140269818, ClinGen allele CA7900211.